The following is an entry in ClinVar:

ClinVar aggregate classification (germline): Uncertain significance. Review status: criteria provided, single submitter (1 of 4 stars). 2 submissions from 2 submitters: Uncertain significance (1). 1 of the submissions does not count toward it. Last evaluated 2022-02-24.

Conditions:
Autosomal recessive limb-girdle muscular dystrophy type 2B (LGMDR2). Also called: Limb-Girdle Muscular Dystrophy Type 2B (LGMD2B); MUSCULAR DYSTROPHY, LIMB-GIRDLE, TYPE 3; MUSCULAR DYSTROPHY, LIMB-GIRDLE, AUTOSOMAL RECESSIVE 2; Limb-girdle muscular dystrophy, type 2B. Identifiers: Orphanet 268, MedGen C1850889, MONDO:0009676, OMIM 253601.
Neuromuscular disease caused by qualitative or quantitative defects of dysferlin. Also called: Qualitative or quantitative defects of dysferlin; Dysferlinopathy. Identifiers: Orphanet 207073, MedGen C2931687, MONDO:0016145.

Allele frequency attached by ClinVar (database versions not stated): gnomAD exomes below 0.00001.
gnomAD v4.1: 1 of 1,614,184 alleles (0.000062%); highest among the groups gnomAD compares: Admixed American, 0.0017%; no homozygotes.

Submissions (2):

Labcorp Genetics (formerly Invitae), Labcorp
Classification: Uncertain significance for Neuromuscular disease caused by qualitative or quantitative defects of dysferlin. Last evaluated: 2022-02-24. Review status: criteria provided, single submitter. Criteria: Invitae Variant Classification Sherloc (09022015). Collection method: clinical testing. Allele origin: germline.
Comment: In summary, the available evidence is currently insufficient to determine the role of this variant in disease. Therefore, it has been classified as a Variant of Uncertain Significance. Advanced modeling of protein sequence and biophysical properties (such as structural, functional, and spatial information, amino acid conservation, physicochemical variation, residue mobility, and thermodynamic stability) performed at Invitae indicates that this missense variant is not expected to disrupt DYSF protein function. ClinVar contains an entry for this variant (Variation ID: 853041). This variant has not been reported in the literature in individuals affected with DYSF-related conditions. This variant is not present in population databases (gnomAD no frequency). This sequence change replaces alanine, which is neutral and non-polar, with threonine, which is neutral and polar, at codon 296 of the DYSF protein (p.Ala296Thr).

Natera, Inc.
Classification: Uncertain significance for Limb-girdle muscular dystrophy type 2B. Last evaluated: 2020-02-13. Review status: no assertion criteria provided. Collection method: clinical testing. Allele origin: germline. Not counted in ClinVar's aggregate classification.

NM_001130987.2(DYSF):c.982G>A (p.Ala328Thr)

Gene: DYSF (dysferlin; plus strand). Cytogenetic location: 2p13.2.
Variant type: single nucleotide variant.
Coding change: c.982G>A on transcript NM_001130987.2 (MANE Select); coding-DNA position 982, G replaced by A.
Protein change: p.Ala328Thr; replaces alanine 328 with threonine.
Molecular consequence: missense variant.
Genome position (GRCh38, 1-based): chr2:71,517,019, G>A. VCF-style: chr2-71517019-G-A. GRCh37 (hg19) VCF-style: chr2-71744149-G-A.
Other names: c.889G>A, p.Ala297Thr (NM_001130455.2, NM_001130983.2, NM_001130984.2 and 1 more transcripts); c.886G>A, p.Ala296Thr (NM_001130976.2, NM_001130977.2, NM_001130978.2 and 1 more transcripts); c.979G>A, p.Ala327Thr (NM_001130979.2, NM_001130980.2, NM_001130981.2); c.982G>A, p.Ala328Thr (NM_001130982.2, NM_001130985.2); short protein forms A296T, A328T, A297T, A327T.
Identifiers: ClinVar variation 853041 (VCV000853041.11), dbSNP rs1314586455, ClinGen allele CA347210241.